The following is an entry in ClinVar:

NM_000264.5(PTCH1):c.2072_2073del (p.Thr691fs)

Genes: PTCH1 (patched 1; minus strand), LOC100507346 (uncharacterized LOC100507346; plus strand). Cytogenetic location: 9q22.32.
Variant type: Deletion.
Coding change: c.2072_2073del on transcript NM_000264.5 (MANE Select); coding-DNA positions 2072 to 2073, 2 bases deleted (CC; older notation c.2072_2073delCC).
Protein change: p.Thr691fs; shifts the reading frame from threonine 691.
Molecular consequence: frameshift variant. On other transcripts: non-coding transcript variant (2).
Genome position (GRCh38, 1-based): chr9:95,468,928-95,468,929, GG deleted on the plus strand (CC on the coding strand, the reverse complement: PTCH1 is on the minus strand). VCF-style (leftmost placement, unchanged base first): chr9-95468927-CGG-C. GRCh37 (hg19) VCF-style: chr9-98231209-CGG-C.
Other names: c.1874_1875del, p.Thr625fs (NM_001083602.3); c.2069_2070del, p.Thr690fs (NM_001083603.3); c.1619_1620del, p.Thr540fs (NM_001083604.3, NM_001083605.3, NM_001083606.3 and 1 more transcripts); c.1916_1917del, p.Thr639fs (NM_001354918.2); short protein forms T540fs, T639fs, T625fs, T690fs, T691fs.
Identifiers: ClinVar variation 419178 (VCV000419178.2), dbSNP rs1064793698, ClinGen allele CA16618905.
Genomic context (GRCh38, chr9:95,468,927, plus strand): 5'-GCAGGTCCCTTGTGGAGCTGGTGCTCTCTGGGCTCTGGCAGCTGAGGGTGTCCTGTGTCA[CGG>C]TGACGGGCTGCACAGAGATCTCGGAGCGCGGCTCAGCGGTGGTGTAGTACACGTGCGTGT-3'

ClinVar aggregate classification (germline): Pathogenic (1 of 4 stars; one submission).

Submission:

GeneDx
Classification: Pathogenic. Last evaluated: 2015-06-02. Review status: criteria provided, single submitter. Criteria: GeneDx Variant Classification (06012015). Collection method: clinical testing. Allele origin: germline. Affected: yes.
Comment: The c.2072_2073delCC deletion is predicted to cause loss of normal proteinfunction either through protein truncation or nonsense-mediated mRNA decay. The c.2072_2073delCCvariant was not observed in approximately 6,000 individuals of European and African American ancestryin the NHLBI Exome Sequencing Project, indicating it is not a common benign variant in these populations.Although this variant has not been previously reported to our knowledge, it is considered pathogenic.